The following is an entry in ClinVar:

NM_005477.3(HCN4):c.1642C>T (p.Arg548Trp)

Gene: HCN4 (hyperpolarization activated cyclic nucleotide gated potassium channel 4; minus strand). Cytogenetic location: 15q24.1.
Variant type: single nucleotide variant.
Coding change: c.1642C>T on transcript NM_005477.3 (MANE Select); coding-DNA position 1642, C replaced by T.
Protein change: p.Arg548Trp; replaces arginine 548 with tryptophan.
Molecular consequence: missense variant.
Genome position (GRCh38, 1-based): chr15:73,325,393, G>A on the plus strand (C>T on the coding strand, the complement: HCN4 is on the minus strand). VCF-style: chr15-73325393-G-A. GRCh37 (hg19) VCF-style: chr15-73617734-G-A.
Other names: short protein forms R548W.
Identifiers: ClinVar variation 934707 (VCV000934707.12), dbSNP rs2042893178, ClinGen allele CA393092070.
Genomic context (GRCh38, chr15:73,325,393, plus strand): 5'-TCTCCTCGTCGAACATCTTGCCCTGGTAGCGGTGCTCGTAGTAGTCGTGGATGCGCTGCC[G>A]GGTGTCGGGCGGGAGCTTGTGAAAGGACATGTACTGCTCCACCTGCTTGTACTGAGGCCG-3'
Protein context (NP_005468.1, residues 538-558): MSFHKLPPDT[Arg548Trp]QRIHDYYEHR

ClinVar aggregate classification (germline): Uncertain significance. Review status: criteria provided, multiple submitters, no conflicts (2 of 4 stars). 2 submissions from 2 submitters: Uncertain significance (2). Last evaluated 2025-03-30.

Conditions:
Cardiovascular phenotype. Identifiers: MedGen CN230736.
Brugada syndrome 8 (BRGDA8). Identifiers: Orphanet 130, MedGen C2751083, MONDO:0013148, OMIM 613123.

Allele frequency attached by ClinVar (database versions not stated): gnomAD exomes below 0.00001.
gnomAD v4.1: 2 of 1,614,114 alleles (0.00012%); highest among the groups gnomAD compares: South Asian, 0.0011%; no homozygotes.

Submissions (2):

Ambry Genetics
Classification: Uncertain significance for Cardiovascular phenotype. Last evaluated: 2025-03-30. Review status: criteria provided, single submitter. Criteria: Ambry Variant Classification Scheme 2023. Collection method: clinical testing. Allele origin: germline.
Comment: The p.R548W variant (also known as c.1642C>T), located in coding exon 5 of the HCN4 gene, results from a C to T substitution at nucleotide position 1642. The arginine at codon 548 is replaced by tryptophan, an amino acid with dissimilar properties. This amino acid position is highly conserved in available vertebrate species. In addition, this alteration is predicted to be deleterious by in silico analysis. Based on the available evidence, the clinical significance of this variant remains unclear.

Labcorp Genetics (formerly Invitae), Labcorp
Classification: Uncertain significance for Brugada syndrome 8. Last evaluated: 2024-12-02. Review status: criteria provided, single submitter. Criteria: Invitae Variant Classification Sherloc (09022015). Collection method: clinical testing. Allele origin: germline.
Comment: This sequence change replaces arginine, which is basic and polar, with tryptophan, which is neutral and slightly polar, at codon 548 of the HCN4 protein (p.Arg548Trp). This variant is not present in population databases (gnomAD no frequency). This variant has not been reported in the literature in individuals affected with HCN4-related conditions. ClinVar contains an entry for this variant (Variation ID: 934707). Invitae Evidence Modeling of protein sequence and biophysical properties (such as structural, functional, and spatial information, amino acid conservation, physicochemical variation, residue mobility, and thermodynamic stability) indicates that this missense variant is expected to disrupt HCN4 protein function with a positive predictive value of 95%. In summary, the available evidence is currently insufficient to determine the role of this variant in disease. Therefore, it has been classified as a Variant of Uncertain Significance.